The following is an entry in ClinVar:

ClinVar aggregate classification (germline): Conflicting classifications of pathogenicity. Review status: criteria provided, conflicting classifications (1 of 4 stars). 8 submissions from 8 submitters: Uncertain significance (5); Likely benign (3). Last evaluated 2026-01-20.

Conditions:
Cardiovascular phenotype. Identifiers: MedGen CN230736.
Brugada syndrome. Also called: Sudden Unexplained Death Syndrome; Sudden Unexplained Nocturnal Death Syndrome (SUNDS); Sudden unexplained nocturnal death syndrome; Sudden unexpected nocturnal death syndrome. Identifiers: Orphanet 130, MedGen C1142166, MONDO:0015263.
Long QT syndrome (LQTS). Identifiers: MedGen C0023976, MeSH D008133, MONDO:0002442. Disease mechanism: loss of function. Inheritance: Various modes of inheritance.
Cardiac arrhythmia, ankyrin-B-related. Also called: ANKYRIN-B SYNDROME. Identifiers: Orphanet 101016, Orphanet 768, MedGen C1970119, MONDO:0010958, OMIM 600919.

Allele frequency attached by ClinVar (database versions not stated): ExAC 0.00015; gnomAD 0.00004; TOPMed 0.00006.
gnomAD v4.1: 119 of 1,613,380 alleles (0.0074%); highest among the groups gnomAD compares: Non-Finnish European, 0.0092%; no homozygotes.

Submissions (8):

Labcorp Genetics (formerly Invitae), Labcorp
Classification: Uncertain significance for Long QT syndrome. Last evaluated: 2026-01-20. Review status: criteria provided, single submitter. Criteria: Invitae Variant Classification Sherloc (09022015). Collection method: clinical testing. Allele origin: germline.
Comment: This sequence change replaces threonine, which is neutral and polar, with proline, which is neutral and non-polar, at codon 3227 of the ANK2 protein (p.Thr3227Pro). This variant is present in population databases (rs140604600, gnomAD 0.02%). This missense change has been observed in individual(s) with long QT syndrome (PMID: 30847666, 37901857). ClinVar contains an entry for this variant (Variation ID: 347340). An algorithm developed to predict the effect of missense changes on protein structure and function outputs the following: PolyPhen-2: "Benign". The proline amino acid residue is found in multiple mammalian species, which suggests that this missense change does not adversely affect protein function. In summary, the available evidence is currently insufficient to determine the role of this variant in disease. Therefore, it has been classified as a Variant of Uncertain Significance.

Women's Health and Genetics/Laboratory Corporation of America, LabCorp
Classification: Likely benign. Last evaluated: 2025-07-24. Review status: criteria provided, single submitter. Criteria: LabCorp Variant Classification Summary - May 2015. Collection method: clinical testing. Allele origin: germline.
Comment: Variant summary: ANK2 c.9679A>C (p.Thr3227Pro) results in a non-conservative amino acid change in the encoded protein sequence. Algorithms developed to predict the effect of missense changes on protein structure and function are either unavailable or do not agree on the potential impact of this missense change. The variant allele was found at a frequency of 0.00012 in 250454 control chromosomes. The observed variant frequency is approximately 18.57 fold of the estimated maximal expected allele frequency for a pathogenic variant in ANK2 causing Long QT Syndrome phenotype (6.7e-06). c.9679A>C has been observed in individual(s) affected with Long QT Syndrome (van Lint_2019, Bora_2023). These report(s) do not provide unequivocal conclusions about association of the variant with Long QT Syndrome. To our knowledge, no experimental evidence demonstrating an impact on protein function has been reported. The following publications have been ascertained in the context of this evaluation (PMID: 37901857, 30847666). ClinVar contains an entry for this variant (Variation ID: 347340). Based on the evidence outlined above, the variant was classified as likely benign.

Molecular Diagnostic Laboratory for Inherited Cardiovascular Disease, Montreal Heart Institute
Classification: Uncertain significance for Cardiovascular phenotype. Last evaluated: 2025-04-09. Review status: criteria provided, single submitter. Criteria: ACMG Guidelines, 2015. Collection method: clinical testing. Allele origin: germline. Affected: yes.

CeGaT Center for Human Genetics Tuebingen
Classification: Uncertain significance. Last evaluated: 2025-03-01. Review status: criteria provided, single submitter. Criteria: CeGaT Center For Human Genetics Tuebingen Variant Classification Criteria Version 2. Collection method: clinical testing. Allele origin: germline. Affected: yes. Observed: 2 variant alleles.

Blueprint Genetics
Classification: Likely benign. Last evaluated: 2024-10-29. Review status: criteria provided, single submitter. Criteria: ACMG Guidelines, 2015. Collection method: clinical testing. Allele origin: germline.

Department of Pathology and Laboratory Medicine, Sinai Health System
Classification: Uncertain significance for Brugada syndrome. Last evaluated: 2022-03-25. Review status: criteria provided, single submitter. Criteria: ACMG Guidelines, 2015. Collection method: research. Allele origin: germline.

Ambry Genetics
Classification: Likely benign for Cardiovascular phenotype. Last evaluated: 2021-05-04. Review status: criteria provided, single submitter. Criteria: Ambry Variant Classification Scheme 2023. Collection method: clinical testing. Allele origin: germline.

Illumina Laboratory Services, Illumina
Classification: Uncertain significance for Cardiac arrhythmia, ankyrin-B-related. Last evaluated: 2018-01-12. Review status: criteria provided, single submitter. Criteria: ICSL Variant Classification Criteria 13 December 2019. Collection method: clinical testing. Allele origin: germline.

Literature cited by the submitters: PubMed 30847666 (cited by Labcorp Genetics (formerly Invitae), Labcorp and Women's Health and Genetics/Laboratory Corporation of America, LabCorp); PubMed 37901857 (cited by Labcorp Genetics (formerly Invitae), Labcorp and Women's Health and Genetics/Laboratory Corporation of America, LabCorp).

NM_001148.6(ANK2):c.9679A>C (p.Thr3227Pro)

Gene: ANK2 (ankyrin 2; plus strand). Cytogenetic location: 4q26.
Variant type: single nucleotide variant.
Coding change: c.9679A>C on transcript NM_001148.6 (MANE Select); coding-DNA position 9679, A replaced by C.
Protein change: p.Thr3227Pro; replaces threonine 3227 with proline.
Molecular consequence: missense variant. On other transcripts: intron variant (68).
Genome position (GRCh38, 1-based): chr4:113,358,297, A>C. VCF-style: chr4-113358297-A-C. GRCh37 (hg19) VCF-style: chr4-114279453-A-C.
Other names: c.9445A>C, p.Thr3149Pro (NM_001386142.1); c.6079A>C, p.Thr2027Pro (NM_001386166.1); c.9820A>C, p.Thr3274Pro (NM_001386174.1); c.9796A>C, p.Thr3266Pro (NM_001386175.1); c.4412-2526A>C (NM_001386186.2, NM_001386148.2); c.4214-2526A>C (NM_001354269.3); c.4292-2526A>C (NM_001386187.2); c.4253-2526A>C (NM_001386147.1); and 36 more; short protein forms T3227P, T2027P, T3149P, T3266P, T3274P.
Identifiers: ClinVar variation 347340 (VCV000347340.39), dbSNP rs140604600, ClinGen allele CA3051962.